The following is an entry in ClinVar:

ClinVar aggregate classification (germline): Uncertain significance (1 of 4 stars; one submission).

Allele frequency attached by ClinVar (database versions not stated): gnomAD exomes below 0.00001.
gnomAD v4.1: 5 of 1,614,222 alleles (0.00031%); highest among the groups gnomAD compares: Non-Finnish European, 0.00042%; no homozygotes.

Submission:

Labcorp Genetics (formerly Invitae), Labcorp
Classification: Uncertain significance. Last evaluated: 2021-03-28. Review status: criteria provided, single submitter. Criteria: Invitae Variant Classification Sherloc (09022015). Collection method: clinical testing. Allele origin: germline.
Comment: Algorithms developed to predict the effect of missense changes on protein structure and function output the following: SIFT: "Tolerated"; PolyPhen-2: "Benign"; Align-GVGD: "Class C0". The arginine amino acid residue is found in multiple mammalian species, suggesting that this missense change does not adversely affect protein function. These predictions have not been confirmed by published functional studies and their clinical significance is uncertain. This variant has not been reported in the literature in individuals with DNAJC12-related conditions. This variant is not present in population databases (ExAC no frequency). This sequence change replaces glutamine with arginine at codon 82 of the DNAJC12 protein (p.Gln82Arg). The glutamine residue is moderately conserved and there is a small physicochemical difference between glutamine and arginine. In summary, the available evidence is currently insufficient to determine the role of this variant in disease. Therefore, it has been classified as a Variant of Uncertain Significance.

NM_021800.3(DNAJC12):c.245A>G (p.Gln82Arg)

Gene: DNAJC12 (DnaJ heat shock protein family (Hsp40) member C12; minus strand). Cytogenetic location: 10q21.3.
Variant type: single nucleotide variant.
Coding change: c.245A>G on transcript NM_021800.3 (MANE Select); coding-DNA position 245, A replaced by G.
Protein change: p.Gln82Arg; replaces glutamine 82 with arginine.
Molecular consequence: missense variant.
Genome position (GRCh38, 1-based): chr10:67,811,576, T>C on the plus strand (A>G on the coding strand, the complement: DNAJC12 is on the minus strand). VCF-style: chr10-67811576-T-C. GRCh37 (hg19) VCF-style: chr10-69571334-T-C.
Other names: c.245A>G, p.Gln82Arg (NM_201262.2); short protein forms Q82R.
Identifiers: ClinVar variation 1520865 (VCV001520865.8), dbSNP rs2131797303, ClinGen allele CA377098648.